The following is an entry in ClinVar:

NM_006431.3(CCT2):c.1255C>G (p.His419Asp)

Gene: CCT2 (chaperonin containing TCP1 subunit 2; plus strand). Cytogenetic location: 12q15.
Variant type: single nucleotide variant.
Coding change: c.1255C>G on transcript NM_006431.3 (MANE Select); coding-DNA position 1255, C replaced by G.
Protein change: p.His419Asp; replaces histidine 419 with aspartic acid.
Molecular consequence: missense variant.
Genome position (GRCh38, 1-based): chr12:69,597,991, C>G. VCF-style: chr12-69597991-C-G. GRCh37 (hg19) VCF-style: chr12-69991771-C-G.
Other names: c.1114C>G, p.His372Asp (NM_001198842.2); short protein forms H372D, H419D.
Identifiers: ClinVar variation 1366415 (VCV001366415.8), dbSNP rs954573488, ClinGen allele CA385730948.
Genomic context (GRCh38, chr12:69,597,991, plus strand): 5'-AAGCATTGCAATATTTTATTGGAATTTTAATCTTTAGGCTGTTCTGAGATGTTGATGGCT[C>G]ATGCTGTGACACAGCTTGCCAATAGAACACCAGGCAAAGAAGCTGTTGCAATGGAGTCTT-3'
Protein context (NP_006422.1, residues 409-429): GGGCSEMLMA[His419Asp]AVTQLANRTP

ClinVar aggregate classification (germline): Uncertain significance (1 of 4 stars; one submission).

Submission:

Labcorp Genetics (formerly Invitae), Labcorp
Classification: Uncertain significance. Last evaluated: 2024-07-22. Review status: criteria provided, single submitter. Criteria: Invitae Variant Classification Sherloc (09022015). Collection method: clinical testing. Allele origin: germline.
Comment: This sequence change replaces histidine, which is basic and polar, with aspartic acid, which is acidic and polar, at codon 419 of the CCT2 protein (p.His419Asp). This variant is not present in population databases (gnomAD no frequency). This variant has not been reported in the literature in individuals affected with CCT2-related conditions. ClinVar contains an entry for this variant (Variation ID: 1366415). An algorithm developed to predict the effect of missense changes on protein structure and function (PolyPhen-2) suggests that this variant is likely to be tolerated. In summary, the available evidence is currently insufficient to determine the role of this variant in disease. Therefore, it has been classified as a Variant of Uncertain Significance.